The following is an entry in ClinVar:

NC_012920.1(MT-CYB):m.15453T>C

Gene: MT-CYB (mitochondrially encoded cytochrome b; plus strand).
Variant type: single nucleotide variant.
Genome position: chrM-15453-T-C.
Identifiers: ClinVar variation 143889 (VCV000143889.3), dbSNP rs527236184, ClinGen allele CA170527.
Genomic context (GRCh38, chrMT:15,453, plus strand): 5'-ATAAAATCACCTTCCACCCTTACTACACAATCAAAGACGCCCTCGGCTTACTTCTCTTCC[T>C]TCTCTCCTTAATGACATTAACACTATTCTCACCAGACCTCCTAGGCGACCCAGACAATTA-3'

ClinVar aggregate classification (germline): Uncertain significance. Review status: criteria provided, single submitter (1 of 4 stars). 2 submissions from 2 submitters: Uncertain significance (1). 1 of the submissions does not count toward it. Last evaluated 2019-10-17.

Conditions:
Ovarian neoplasm. Also called: Ovarian Neoplasms; Neoplasm of ovary; Ovarian tumor. Identifiers: MedGen C0919267, MeSH D010051, MONDO:0021068, HP:0100615.
Leigh syndrome (NULS). Also called: Leigh's syndrome; Leigh Syndrome (mtDNA deletion); Leigh Disease; Subacute necrotizing encephalopathy; Necrotizing encephalopathy infantile subacute of Leigh; LEIGH SYNDROME, NUCLEAR. Identifiers: Orphanet 506, MedGen C2931891, MONDO:0009723, OMIM 256000.

Submissions (2):

Wong Mito Lab, Molecular and Human Genetics, Baylor College of Medicine
Classification: Uncertain significance for Leigh syndrome. Last evaluated: 2019-10-17. Review status: criteria provided, single submitter. Criteria: Modified ACMG Guidelines (Unpublished). Collection method: clinical testing. Allele origin: germline.
Comment: The NC_012920.1:m.15453T>C (YP_003024038.1:p.Leu236Pro) variant in MTCYB gene is interpretated to be a Uncertain Significance variant based on the modified ACMG guidelines (unpublished). This variant meets the following evidence codes: PM10, BS1

Department of Zoology Govt. MVM College
Classification: Likely pathogenic for Neoplasm of ovary. Review status: no assertion criteria provided. Collection method: not provided. Allele origin: unknown. Not counted in ClinVar's aggregate classification.
Comment: KM277004
ClinVar note: Converted during submission from probable-pathogenic to Likely pathogenic.

Literature cited by the submitters: PubMed 24667782 (cited by Wong Mito Lab, Molecular and Human Genetics, Baylor College of Medicine).